The following is an entry in ClinVar:

ClinVar aggregate classification (germline): Uncertain significance. Review status: criteria provided, multiple submitters, no conflicts (2 of 4 stars). 2 submissions from 2 submitters: Uncertain significance (2). Last evaluated 2026-06-07.

Conditions:
Cardiovascular phenotype. Identifiers: MedGen CN230736.
Long QT syndrome (LQTS). Identifiers: MedGen C0023976, MeSH D008133, MONDO:0002442. Disease mechanism: loss of function. Inheritance: Various modes of inheritance.

Submissions (2):

Ambry Genetics
Classification: Uncertain significance for Cardiovascular phenotype. Last evaluated: 2026-06-07. Review status: criteria provided, single submitter. Criteria: Ambry Variant Classification Scheme 2023. Collection method: clinical testing. Allele origin: germline.
Comment: The p.Q2444E variant (also known as c.7330C>G), located in coding exon 31 of the AKAP9 gene, results from a C to G substitution at nucleotide position 7330. The glutamine at codon 2444 is replaced by glutamic acid, an amino acid with highly similar properties. This amino acid position is conserved. In addition, this alteration is predicted to be tolerated by in silico analysis. Based on the available evidence, the clinical significance of this variant remains unclear.

Labcorp Genetics (formerly Invitae), Labcorp
Classification: Uncertain significance for Long QT syndrome. Last evaluated: 2025-11-03. Review status: criteria provided, single submitter. Criteria: Invitae Variant Classification Sherloc (09022015). Collection method: clinical testing. Allele origin: germline.
Comment: This sequence change replaces glutamine, which is neutral and polar, with glutamic acid, which is acidic and polar, at codon 2444 of the AKAP9 protein (p.Gln2444Glu). This variant is not present in population databases (gnomAD no frequency). This variant has not been reported in the literature in individuals affected with AKAP9-related conditions. ClinVar contains an entry for this variant (Variation ID: 2190565). An algorithm developed to predict the effect of missense changes on protein structure and function (PolyPhen-2) suggests that this variant is likely to be tolerated. In summary, the available evidence is currently insufficient to determine the role of this variant in disease. Therefore, it has been classified as a Variant of Uncertain Significance.

NM_005751.5(AKAP9):c.7330C>G (p.Gln2444Glu)

Gene: AKAP9 (A-kinase anchoring protein 9; plus strand). Cytogenetic location: 7q21.2.
Variant type: single nucleotide variant.
Coding change: c.7330C>G on transcript NM_005751.5 (MANE Select); coding-DNA position 7330, C replaced by G.
Protein change: p.Gln2444Glu; replaces glutamine 2444 with glutamic acid.
Molecular consequence: missense variant.
Genome position (GRCh38, 1-based): chr7:92,079,463, C>G. VCF-style: chr7-92079463-C-G. GRCh37 (hg19) VCF-style: chr7-91708777-C-G.
Other names: c.1975C>G, p.Gln659Glu (NM_001379277.1); c.7306C>G, p.Gln2436Glu (NM_147185.3); short protein forms Q659E, Q2436E, Q2444E.
Identifiers: ClinVar variation 2190565 (VCV002190565.5), dbSNP rs1204014373, ClinGen allele CA368135496.
Genomic context (GRCh38, chr7:92,079,463, plus strand): 5'-AATCAGCTAACACAGGAATTATTCAGCTTAAAGAGAGAACGTGAAAGTGTGGAAAAGATT[C>G]AAAGCATACCAGAGAATAGTGTTAACGTGGCTATAGATCATCTGAGCAAAGACAAACCTG-3'
Protein context (NP_005742.4, residues 2434-2454): KRERESVEKI[Gln2444Glu]SIPENSVNVA